The following is an entry in ClinVar:

NM_000059.4(BRCA2):c.8344A>G (p.Ser2782Gly)

Gene: BRCA2 (BRCA2 DNA repair associated; plus strand). Cytogenetic location: 13q13.1.
Variant type: single nucleotide variant.
Coding change: c.8344A>G on transcript NM_000059.4 (MANE Select); coding-DNA position 8344, A replaced by G.
Protein change: p.Ser2782Gly; replaces serine 2782 with glycine.
Molecular consequence: missense variant.
Genome position (GRCh38, 1-based): chr13:32,370,414, A>G. VCF-style: chr13-32370414-A-G. GRCh37 (hg19) VCF-style: chr13-32944551-A-G.
Other names: short protein forms S2782G.
Identifiers: ClinVar variation 1491347 (VCV001491347.10), dbSNP rs2137596450, ClinGen allele CA387752363.
Genomic context (GRCh38, chr13:32,370,414, plus strand): 5'-TGAATACATATTTAACTACTAAATCAATATATTTATTAATTTGTCCAGATTTCTGCTAAC[A>G]GTACTCGGCCTGCTCGCTGGTATACCAAACTTGGATTCTTTCCTGACCCTAGACCTTTTC-3'
Protein context (NP_000050.3, residues 2772-2792): ESLMLKISAN[Ser2782Gly]TRPARWYTKL

ClinVar aggregate classification (germline): Conflicting classifications of pathogenicity. Review status: criteria provided, conflicting classifications (1 of 4 stars). 3 submissions from 3 submitters: Uncertain significance (2); Likely benign (1). Last evaluated 2025-05-08.

Conditions:
Hereditary cancer-predisposing syndrome. Also called: Tumor predisposition; Hereditary neoplastic syndrome; Neoplastic Syndromes, Hereditary; Hereditary Cancer Syndrome. Identifiers: Orphanet 140162, MedGen C0027672, MeSH D009386, MONDO:0015356.
Hereditary breast ovarian cancer syndrome. Also called: Hereditary breast and ovarian cancer; Hereditary breast and ovarian cancer syndrome; Hereditary breast and/or ovarian cancer syndrome; Hereditary breast and ovarian cancer syndrome (HBOC); Breast and ovarian cancer; BRCA1- and BRCA2-Associated Hereditary Breast and Ovarian Cancer. Identifiers: Orphanet 145, MedGen C0677776, MeSH D061325, MONDO:0003582. Disease mechanism: loss of function.
Familial cancer of breast. Also called: BREAST CANCER, FAMILIAL; Hereditary breast cancer; hereditary breast carcinoma. Identifiers: Orphanet 227535, MedGen C0346153, MONDO:0016419, OMIM 114480. Disease mechanism: loss of function.

Submissions (3):

Ambry Genetics
Classification: Likely benign for Hereditary cancer-predisposing syndrome. Last evaluated: 2025-05-08. Review status: criteria provided, single submitter. Criteria: Ambry Variant Classification Scheme 2023. Collection method: clinical testing. Allele origin: germline.

Labcorp Genetics (formerly Invitae), Labcorp
Classification: Uncertain significance for Hereditary breast ovarian cancer syndrome. Last evaluated: 2025-04-22. Review status: criteria provided, single submitter. Criteria: Invitae Variant Classification Sherloc (09022015). Collection method: clinical testing. Allele origin: germline.
Comment: This sequence change replaces serine, which is neutral and polar, with glycine, which is neutral and non-polar, at codon 2782 of the BRCA2 protein (p.Ser2782Gly). This variant is not present in population databases (gnomAD no frequency). This variant has not been reported in the literature in individuals affected with BRCA2-related conditions. ClinVar contains an entry for this variant (Variation ID: 1491347). Invitae Evidence Modeling of protein sequence and biophysical properties (such as structural, functional, and spatial information, amino acid conservation, physicochemical variation, residue mobility, and thermodynamic stability) indicates that this missense variant is not expected to disrupt BRCA2 protein function with a negative predictive value of 95%. In summary, the available evidence is currently insufficient to determine the role of this variant in disease. Therefore, it has been classified as a Variant of Uncertain Significance.

Baylor Genetics
Classification: Uncertain significance for Familial cancer of breast. Last evaluated: 2024-03-26. Review status: criteria provided, single submitter. Criteria: ACMG Guidelines, 2015. Collection method: clinical testing. Allele origin: unknown.